The following is an entry in ClinVar:

NM_001201543.2(FAM161A):c.423-7C>T

Gene: FAM161A (FAM161 centrosomal protein A; minus strand). Cytogenetic location: 2p15.
Variant type: single nucleotide variant.
Coding change: c.423-7C>T on transcript NM_001201543.2 (MANE Select); 7 bases into the intron before coding-DNA position 423, C replaced by T.
Molecular consequence: intron variant.
Genome position (GRCh38, 1-based): chr2:61,840,588, G>A on the plus strand (C>T on the coding strand, the complement: FAM161A is on the minus strand). VCF-style: chr2-61840588-G-A. GRCh37 (hg19) VCF-style: chr2-62067723-G-A.
Other names: c.423-7C>T (NM_032180.3).
Identifiers: ClinVar variation 775173 (VCV000775173.16), dbSNP rs144455077, ClinGen allele CA1679358.

ClinVar aggregate classification (germline): Benign/Likely benign. Review status: criteria provided, multiple submitters, no conflicts (2 of 4 stars). 4 submissions from 4 submitters: Benign (1); Likely benign (2). 1 of the submissions does not count toward it. Last evaluated 2026-02-02.

Conditions:
Retinitis pigmentosa (RP). Identifiers: Orphanet 791, MedGen C0035334, MeSH D012174, MONDO:0019200, OMIM 268000. Inheritance: Autosomal dominant, autosomal recessive and X linked inheritance.

Allele frequency attached by ClinVar (database versions not stated): gnomAD exomes 0.00069 and 0.00179; ExAC 0.00206; ESP Exome Variant Server 0.00669; gnomAD 0.00709 and 0.00755; TOPMed 0.00752; 1000 Genomes Project 0.00759; 1000 Genomes Project 30x 0.00781.
gnomAD v4.1: 2,100 of 1,557,972 alleles (0.13%); highest among the groups gnomAD compares: African/African-American, 2.5%; 23 homozygotes.

Submissions (4):

Labcorp Genetics (formerly Invitae), Labcorp
Classification: Benign. Last evaluated: 2026-02-02. Review status: criteria provided, single submitter. Criteria: Invitae Variant Classification Sherloc (09022015). Collection method: clinical testing. Allele origin: germline.

Genomic Medicine Center of Excellence, King Faisal Specialist Hospital and Research Centre
Classification: Likely benign. Last evaluated: 2025-08-18. Review status: criteria provided, single submitter. Criteria: ACMG Guidelines, 2015. Collection method: clinical testing. Allele origin: germline.

Illumina Laboratory Services, Illumina
Classification: Likely benign for Retinitis pigmentosa. Last evaluated: 2018-01-13. Review status: criteria provided, single submitter. Criteria: ICSL Variant Classification Criteria 13 December 2019. Collection method: clinical testing. Allele origin: germline.
Comment: This variant was observed in the ICSL laboratory as part of a predisposition screen in an ostensibly healthy population. It had not been previously curated by ICSL or reported in the Human Gene Mutation Database (HGMD: prior to June 1st, 2018), and was therefore a candidate for classification through an automated scoring system. Utilizing variant allele frequency, disease prevalence and penetrance estimates, and inheritance mode, an automated score was calculated to assess if this variant is too frequent to cause the disease. Based on the score and internal cut-off values, a variant classified as likely benign is not then subjected to further curation. The score for this variant resulted in a classification of likely benign for this disease.

Natera, Inc.
Classification: Benign for Retinitis pigmentosa. Last evaluated: 2020-09-16. Review status: no assertion criteria provided. Collection method: clinical testing. Allele origin: germline. Not counted in ClinVar's aggregate classification.